The following is an entry in ClinVar:

ClinVar aggregate classification (germline): Uncertain significance (1 of 4 stars; one submission).

Conditions:
Long QT syndrome (LQTS). Identifiers: MedGen C0023976, MeSH D008133, MONDO:0002442. Disease mechanism: loss of function. Inheritance: Various modes of inheritance.

Submission:

Labcorp Genetics (formerly Invitae), Labcorp
Classification: Uncertain significance for Long QT syndrome. Last evaluated: 2021-11-19. Review status: criteria provided, single submitter. Criteria: Invitae Variant Classification Sherloc (09022015). Collection method: clinical testing. Allele origin: germline.
Comment: In summary, the available evidence is currently insufficient to determine the role of this variant in disease. Therefore, it has been classified as a Variant of Uncertain Significance. Algorithms developed to predict the effect of missense changes on protein structure and function output the following: SIFT: "Tolerated"; PolyPhen-2: "Benign"; Align-GVGD: "Class C0". The glutamic acid amino acid residue is found in multiple mammalian species, which suggests that this missense change does not adversely affect protein function. This variant has not been reported in the literature in individuals affected with KCNH2-related conditions. This variant is not present in population databases (gnomAD no frequency). This sequence change replaces aspartic acid, which is acidic and polar, with glutamic acid, which is acidic and polar, at codon 346 of the KCNH2 protein (p.Asp346Glu).

NM_000238.4(KCNH2):c.1038C>A (p.Asp346Glu)

Gene: KCNH2 (potassium voltage-gated channel subfamily H member 2; minus strand). Cytogenetic location: 7q36.1.
Variant type: single nucleotide variant.
Coding change: c.1038C>A on transcript NM_000238.4 (MANE Select); coding-DNA position 1038, C replaced by A.
Protein change: p.Asp346Glu; replaces aspartic acid 346 with glutamic acid.
Molecular consequence: missense variant.
Genome position (GRCh38, 1-based): chr7:150,957,381, G>T on the plus strand (C>A on the coding strand, the complement: KCNH2 is on the minus strand). VCF-style: chr7-150957381-G-T. GRCh37 (hg19) VCF-style: chr7-150654469-G-T.
Other names: c.750C>A, p.Asp250Glu (NM_001406753.1, NM_001406756.1); c.861C>A, p.Asp287Glu (NM_001406755.1); c.738C>A, p.Asp246Glu (NM_001406757.1); c.1038C>A, p.Asp346Glu (NM_172056.3); short protein forms D346E, D250E, D287E, D246E.
Identifiers: ClinVar variation 1490000 (VCV001490000.7), dbSNP rs758083853, ClinGen allele CA369861599.
Genomic context (GRCh38, chr7:150,957,381, plus strand): 5'-TCGCTCCTTTATCTTAGGTGCTATGATCTCACGGTCACTGGTGGGCGAAGCCAAGAAGGG[G>T]TCGCCCTTGAGGTCCACAAAGTTGAGGGTGATTTGGGGAATCTTGCTAATGGTGCGGTAG-3'
Protein context (NP_000229.1, residues 336-356): ITLNFVDLKG[Asp346Glu]PFLASPTSDR